The following is an entry in ClinVar:

NM_001040142.2(SCN2A):c.3061A>T (p.Ile1021Leu)

Gene: SCN2A (sodium voltage-gated channel alpha subunit 2; plus strand). Cytogenetic location: 2q24.3.
Variant type: single nucleotide variant.
Coding change: c.3061A>T on transcript NM_001040142.2 (MANE Select); coding-DNA position 3061, A replaced by T.
Protein change: p.Ile1021Leu; replaces isoleucine 1021 with leucine.
Molecular consequence: missense variant.
Genome position (GRCh38, 1-based): chr2:165,354,333, A>T. VCF-style: chr2-165354333-A-T. GRCh37 (hg19) VCF-style: chr2-166210843-A-T.
Other names: c.3061A>T, p.Ile1021Leu (NM_001040143.2, NM_001371246.1, NM_001371247.1 and 1 more transcripts); short protein forms I1021L.
Identifiers: ClinVar variation 838033 (VCV000838033.10), dbSNP rs1700074563, ClinGen allele CA349019979.

ClinVar aggregate classification (germline): Uncertain significance. Review status: criteria provided, multiple submitters, no conflicts (2 of 4 stars). 2 submissions from 2 submitters: Uncertain significance (2). Last evaluated 2024-12-12.

Conditions:
Seizures, benign familial infantile, 3 (BFIS3). Also called: Familial neonatal seizures; CONVULSIONS, BENIGN FAMILIAL INFANTILE, 3. Identifiers: Orphanet 140927, Orphanet 306, MedGen C1843140, MONDO:0011904, OMIM 607745.
Developmental and epileptic encephalopathy, 11 (DEE11). Also called: Early infantile epileptic encephalopathy 11. Identifiers: Orphanet 1934, MedGen C3150987, MONDO:0013388, OMIM 613721.

Allele frequency attached by ClinVar (database versions not stated): TOPMed below 0.00001.

Submissions (2):

Labcorp Genetics (formerly Invitae), Labcorp
Classification: Uncertain significance for Seizures, benign familial infantile, 3; Developmental and epileptic encephalopathy, 11. Last evaluated: 2024-12-12. Review status: criteria provided, single submitter. Criteria: Invitae Variant Classification Sherloc (09022015). Collection method: clinical testing. Allele origin: germline.
Comment: This sequence change replaces isoleucine, which is neutral and non-polar, with leucine, which is neutral and non-polar, at codon 1021 of the SCN2A protein (p.Ile1021Leu). This variant is not present in population databases (gnomAD no frequency). This missense change has been observed in individual(s) with clinical features of SCN2A-related conditions (internal data). ClinVar contains an entry for this variant (Variation ID: 838033). Invitae Evidence Modeling of protein sequence and biophysical properties (such as structural, functional, and spatial information, amino acid conservation, physicochemical variation, residue mobility, and thermodynamic stability) indicates that this missense variant is not expected to disrupt SCN2A protein function with a negative predictive value of 95%. In summary, the available evidence is currently insufficient to determine the role of this variant in disease. Therefore, it has been classified as a Variant of Uncertain Significance.

GeneDx
Classification: Uncertain significance. Last evaluated: 2023-05-09. Review status: criteria provided, single submitter. Criteria: GeneDx Variant Classification Process June 2021. Collection method: clinical testing. Allele origin: germline. Affected: yes.
Comment: Not observed at significant frequency in large population cohorts (gnomAD); Missense variants in this gene are often considered pathogenic (HGMD); In silico analysis supports that this missense variant does not alter protein structure/function; Has not been previously published as pathogenic or benign to our knowledge; This substitution is predicted to be in the cytoplasmic loop between the second and third homologous domains